The following is an entry in ClinVar:

ClinVar aggregate classification (germline): Likely pathogenic (1 of 4 stars; one submission).

Conditions:
Autosomal recessive limb-girdle muscular dystrophy type 2J (LGMDR10). Also called: Limb-girdle muscular dystrophy, type 2J; MUSCULAR DYSTROPHY, LIMB-GIRDLE, AUTOSOMAL RECESSIVE 10. Identifiers: Orphanet 140922, MedGen C1837342, MONDO:0012127, OMIM 608807.
Dilated cardiomyopathy 1G (CMD1G). Identifiers: Orphanet 154, MedGen C1858763, MONDO:0011400, OMIM 604145.

Submission:

Labcorp Genetics (formerly Invitae), Labcorp
Classification: Likely pathogenic for Dilated cardiomyopathy 1G; Autosomal recessive limb-girdle muscular dystrophy type 2J. Last evaluated: 2025-10-01. Review status: criteria provided, single submitter. Criteria: Invitae Variant Classification Sherloc (09022015). Collection method: clinical testing. Allele origin: germline.
Comment: This sequence change creates a premature translational stop signal (p.Val954Alafs*2) in the TTN gene. While this is not anticipated to result in nonsense mediated decay, it is expected to create a truncated TTN protein. This variant is not present in population databases (gnomAD no frequency). This variant has not been reported in the literature in individuals affected with TTN-related conditions. This variant is located in the Z band of TTN (PMID: 25589632). Truncating variants in this region have been reported in individuals affected with autosomal recessive centronuclear myopathy (PMID: 33449170, internal data). Truncating variants in this region have also been identified in individuals affected with autosomal dominant dilated cardiomyopathy and/or cardio-related conditions (PMID: 27869827, 32964742, internal data). In summary, the currently available evidence indicates that the variant is pathogenic, but additional data are needed to prove that conclusively. Therefore, this variant has been classified as Likely Pathogenic.

Literature cited by the submitters: PubMed 25589632; PubMed 33449170; PubMed 27869827; PubMed 32964742.

NM_001267550.2(TTN):c.2861del (p.Val954fs)

Gene: TTN (titin; minus strand). Cytogenetic location: 2q31.2.
Variant type: Deletion.
Coding change: c.2861del on transcript NM_001267550.2 (MANE Select); coding-DNA position 2861, one base deleted (T; older notation c.2861delT).
Protein change: p.Val954fs; shifts the reading frame from valine 954.
Molecular consequence: frameshift variant.
Genome position (GRCh38, 1-based): chr2:178,783,045, A deleted on the plus strand (T on the coding strand, the reverse complement: TTN is on the minus strand). VCF-style (leftmost placement, unchanged base first): chr2-178783044-GA-G. GRCh37 (hg19) VCF-style: chr2-179647771-GA-G.
Other names: c.2861del, p.Val954fs (NM_001256850.1, NM_133378.4, NM_133379.5); c.2723del, p.Val908fs (NM_003319.4, NM_133432.3, NM_133437.4); short protein forms V954fs, V908fs.
Identifiers: ClinVar variation 4786290 (VCV004786290.1).
Genomic context (GRCh38, chr2:178,783,044, plus strand): 5'-CACTGTCGGGGATGGGTATCCAGAGATGTGGCACTCCAAGGTGACAGATTCACCTTCTAT[GA>G]CAGTCACATTTTTTAAGCCCTGAAGAGAGGAGAAAAAATAAATAATGATACGTGTGCATA-3'